The following is an entry in ClinVar:

ClinVar aggregate classification (germline): Uncertain significance (1 of 4 stars; one submission).

Conditions:
Inborn genetic diseases. Identifiers: MedGen C0950123, MeSH D030342.

gnomAD v4.1: 5 of 1,614,124 alleles (0.00031%); highest among the groups gnomAD compares: East Asian, 0.0022%; no homozygotes.

Submission:

Ambry Genetics
Classification: Uncertain significance for Inborn genetic diseases. Last evaluated: 2026-07-20. Review status: criteria provided, single submitter. Criteria: Ambry Variant Classification Scheme 2023. Collection method: clinical testing. Allele origin: germline.
Comment: The p.G919R variant (also known as c.2755G>C), located in coding exon 12 of the BMPR2 gene, results from a G to C substitution at nucleotide position 2755. The glycine at codon 919 is replaced by arginine, an amino acid with dissimilar properties. This amino acid position is conserved. In addition, this alteration is predicted to be tolerated by in silico analysis. Based on the available evidence, the clinical significance of this variant remains unclear.

NM_001204.7(BMPR2):c.2755G>C (p.Gly919Arg)

Gene: BMPR2 (bone morphogenetic protein receptor type 2; plus strand). Cytogenetic location: 2q33.2.
Variant type: single nucleotide variant.
Coding change: c.2755G>C on transcript NM_001204.7 (MANE Select); coding-DNA position 2755, G replaced by C.
Protein change: p.Gly919Arg; replaces glycine 919 with arginine.
Molecular consequence: missense variant.
Genome position (GRCh38, 1-based): chr2:202,556,420, G>C. VCF-style: chr2-202556420-G-C. GRCh37 (hg19) VCF-style: chr2-203421143-G-C.
Other names: short protein forms G919R.
Identifiers: ClinVar variation 5033096 (VCV005033096.1).
Genomic context (GRCh38, chr2:202,556,420, plus strand): 5'-CGAACTAATTCCAATAACAACAACAGCAATCCATGTTCAGAACAAGATGTTCTTGCACAG[G>C]GTGTTCCAAGCACAGCAGCAGATCCTGGGCCATCAAAGCCCAGAAGAGCACAGAGGCCTA-3'
Protein context (NP_001195.2, residues 909-929): PCSEQDVLAQ[Gly919Arg]VPSTAADPGP